The following is an entry in ClinVar:

ClinVar aggregate classification (germline): Benign/Likely benign. Review status: criteria provided, multiple submitters, no conflicts (2 of 4 stars). 2 submissions from 2 submitters: Benign (1); Likely benign (1). Last evaluated 2026-02-01.

Conditions:
Congenital contractural arachnodactyly (CCA). Also called: Beals-Hecht syndrome; BEALS SYNDROME; Arthrogryposis, distal, type 9. Identifiers: Orphanet 115, MedGen C0220668, MONDO:0007363, OMIM 121050.

Allele frequency attached by ClinVar (database versions not stated): gnomAD 0.00002; gnomAD exomes 0.00003 and 0.00004; TOPMed 0.00003; ExAC 0.00005.
gnomAD v4.1: 44 of 1,505,398 alleles (0.0029%); highest among the groups gnomAD compares: Non-Finnish European, 0.0038%; no homozygotes.

Submissions (2):

Labcorp Genetics (formerly Invitae), Labcorp
Classification: Likely benign for Congenital contractural arachnodactyly. Last evaluated: 2026-02-01. Review status: criteria provided, single submitter. Criteria: Invitae Variant Classification Sherloc (09022015). Collection method: clinical testing. Allele origin: germline.

GeneDx
Classification: Benign. Last evaluated: 2015-05-18. Review status: criteria provided, single submitter. Criteria: GeneDx Variant Classification (06012015). Collection method: clinical testing. Allele origin: germline. Affected: yes.
Comment: This variant is considered likely benign or benign based on one or more of the following criteria: it is a conservative change, it occurs at a poorly conserved position in the protein, it is predicted to be benign by multiple in silico algorithms, and/or has population frequency not consistent with disease.

NM_001999.4(FBN2):c.7595-13T>C

Gene: FBN2 (fibrillin 2; minus strand). Cytogenetic location: 5q23.3.
Variant type: single nucleotide variant.
Coding change: c.7595-13T>C on transcript NM_001999.4 (MANE Select); 13 bases into the intron before coding-DNA position 7595, T replaced by C.
Molecular consequence: intron variant.
Genome position (GRCh38, 1-based): chr5:128,274,696, A>G on the plus strand (T>C on the coding strand, the complement: FBN2 is on the minus strand). VCF-style: chr5-128274696-A-G. GRCh37 (hg19) VCF-style: chr5-127610388-A-G.
Identifiers: ClinVar variation 213253 (VCV000213253.9), dbSNP rs747620496, ClinGen allele CA321795.
Genomic context (GRCh38, chr5:128,274,696, plus strand): 5'-CACAGAGGAACTGGCAGTTATGCTGCTTTGTTTGACATTCATCAAGGTCTGAAATTAGAG[A>G]GAAGCCAGTGAAAATCACAGTAGACTATCTGGCTATGTTTCCTTTCTTGTGAAGCCACAG-3'